The following is an entry in ClinVar:

ClinVar aggregate classification (germline): Uncertain significance (1 of 4 stars; one submission).

Conditions:
Neuromuscular disease caused by qualitative or quantitative defects of dysferlin. Also called: Qualitative or quantitative defects of dysferlin; Dysferlinopathy. Identifiers: Orphanet 207073, MedGen C2931687, MONDO:0016145.

Allele frequency attached by ClinVar (database versions not stated): gnomAD 0.00001; gnomAD exomes 0.00001.
gnomAD v4.1: 10 of 1,614,010 alleles (0.00062%); highest among the groups gnomAD compares: Non-Finnish European, 0.00076%; no homozygotes.

Submission:

Labcorp Genetics (formerly Invitae), Labcorp
Classification: Uncertain significance for Neuromuscular disease caused by qualitative or quantitative defects of dysferlin. Last evaluated: 2024-07-29. Review status: criteria provided, single submitter. Criteria: Invitae Variant Classification Sherloc (09022015). Collection method: clinical testing. Allele origin: germline.
Comment: This sequence change replaces isoleucine, which is neutral and non-polar, with threonine, which is neutral and polar, at codon 986 of the DYSF protein (p.Ile986Thr). This variant is present in population databases (no rsID available, gnomAD 0.007%). This variant has not been reported in the literature in individuals affected with DYSF-related conditions. ClinVar contains an entry for this variant (Variation ID: 861369). Advanced modeling of protein sequence and biophysical properties (such as structural, functional, and spatial information, amino acid conservation, physicochemical variation, residue mobility, and thermodynamic stability) performed at Invitae indicates that this missense variant is not expected to disrupt DYSF protein function with a negative predictive value of 95%. In summary, the available evidence is currently insufficient to determine the role of this variant in disease. Therefore, it has been classified as a Variant of Uncertain Significance.

NM_001130987.2(DYSF):c.3011T>C (p.Ile1004Thr)

Gene: DYSF (dysferlin; plus strand). Cytogenetic location: 2p13.2.
Variant type: single nucleotide variant.
Coding change: c.3011T>C on transcript NM_001130987.2 (MANE Select); coding-DNA position 3011, T replaced by C.
Protein change: p.Ile1004Thr; replaces isoleucine 1004 with threonine.
Molecular consequence: missense variant.
Genome position (GRCh38, 1-based): chr2:71,570,260, T>C. VCF-style: chr2-71570260-T-C. GRCh37 (hg19) VCF-style: chr2-71797390-T-C.
Other names: c.2960T>C, p.Ile987Thr (NM_001130455.2, NM_001130983.2); c.2915T>C, p.Ile972Thr (NM_001130976.2, NM_001130977.2); c.2957T>C, p.Ile986Thr (NM_001130978.2, NM_003494.4); c.3050T>C, p.Ile1017Thr (NM_001130979.2); c.3008T>C, p.Ile1003Thr (NM_001130980.2, NM_001130981.2); c.3053T>C, p.Ile1018Thr (NM_001130982.2); c.2918T>C, p.Ile973Thr (NM_001130984.2, NM_001130986.2); c.3011T>C, p.Ile1004Thr (NM_001130985.2); short protein forms I1003T, I1018T, I972T, I987T, I1004T, I1017T, I973T, I986T.
Identifiers: ClinVar variation 861369 (VCV000861369.6), dbSNP rs1257868987, ClinGen allele CA347216440.